The following is an entry in ClinVar:

NM_000535.7(PMS2):c.71A>C (p.His24Pro)

Gene: PMS2 (PMS1 homolog 2, mismatch repair system component; minus strand). Cytogenetic location: 7p22.1.
Variant type: single nucleotide variant.
Coding change: c.71A>C on transcript NM_000535.7 (MANE Select); coding-DNA position 71, A replaced by C.
Protein change: p.His24Pro; replaces histidine 24 with proline.
Molecular consequence: missense variant. On other transcripts: 5 prime UTR variant (8), non-coding transcript variant (1), intron variant (3).
Genome position (GRCh38, 1-based): chr7:6,005,984, T>G on the plus strand (A>C on the coding strand, the complement: PMS2 is on the minus strand). VCF-style: chr7-6005984-T-G. GRCh37 (hg19) VCF-style: chr7-6045615-T-G.
Other names: c.-335A>C (NM_001322003.2, NM_001322005.2, NM_001322009.2 and 1 more transcripts); c.71A>C, p.His24Pro (NM_001322006.2, NM_001322014.2); c.-145A>C (NM_001322007.2); c.-814A>C (NM_001322011.2, NM_001322012.2); c.-414A>C (NM_001322015.2); c.-52-1926A>C (NM_001322008.2); c.-242-1926A>C (NM_001322010.2, NM_001322004.2); short protein forms H24P.
Identifiers: ClinVar variation 187134 (VCV000187134.28), dbSNP rs139233015, ClinGen allele CA012663.

ClinVar aggregate classification (germline): Uncertain significance. Review status: criteria provided, multiple submitters, no conflicts (2 of 4 stars). 9 submissions from 9 submitters: Uncertain significance (9). Last evaluated 2025-10-07.

Conditions:
Hereditary nonpolyposis colorectal neoplasms. Identifiers: MedGen C0009405, MeSH D003123.
Hereditary cancer-predisposing syndrome. Also called: Neoplastic Syndromes, Hereditary; Tumor predisposition; Hereditary Cancer Syndrome; Hereditary neoplastic syndrome. Identifiers: Orphanet 140162, MedGen C0027672, MeSH D009386, MONDO:0015356.
Lynch syndrome. Identifiers: Orphanet 144, MedGen C4552100, MONDO:0005835. Disease mechanism: loss of function.
Lynch syndrome 4 (LYNCH4). Also called: Colorectal cancer, hereditary nonpolyposis, type 4; Hereditary non-polyposis colorectal cancer, type 4. Identifiers: Orphanet 144, MedGen C1838333, MONDO:0013699, OMIM 614337. Disease mechanism: loss of function.

Allele frequency attached by ClinVar (database versions not stated): TOPMed 0.00004; gnomAD 0.00005; ESP Exome Variant Server 0.00027.
gnomAD v4.1: 11 of 1,610,680 alleles (0.00068%); highest among the groups gnomAD compares: African/African-American, 0.012%; no homozygotes.

Submissions (9):

Ambry Genetics
Classification: Uncertain significance for Hereditary cancer-predisposing syndrome. Last evaluated: 2025-10-07. Review status: criteria provided, single submitter. Criteria: Ambry Variant Classification Scheme 2023. Collection method: clinical testing. Allele origin: germline.
Comment: The p.H24P variant (also known as c.71A>C), located in coding exon 2 of the PMS2 gene, results from an A to C substitution at nucleotide position 71. The histidine at codon 24 is replaced by proline, an amino acid with similar properties. This amino acid position is highly conserved in available vertebrate species. In addition, this alteration is predicted to be deleterious by in silico analysis. Based on the available evidence, the clinical significance of this variant remains unclear.

Labcorp Genetics (formerly Invitae), Labcorp
Classification: Uncertain significance for Hereditary nonpolyposis colorectal neoplasms. Last evaluated: 2025-09-30. Review status: criteria provided, single submitter. Criteria: Invitae Variant Classification Sherloc (09022015). Collection method: clinical testing. Allele origin: germline.
Comment: This sequence change replaces histidine, which is basic and polar, with proline, which is neutral and non-polar, at codon 24 of the PMS2 protein (p.His24Pro). This variant is present in population databases (rs139233015, gnomAD 0.02%). This variant has not been reported in the literature in individuals affected with PMS2-related conditions. ClinVar contains an entry for this variant (Variation ID: 187134). Invitae Evidence Modeling incorporating data from in vitro experimental studies (internal data) indicates that this missense variant is not expected to disrupt PMS2 function with a negative predictive value of 95%. In summary, the available evidence is currently insufficient to determine the role of this variant in disease. Therefore, it has been classified as a Variant of Uncertain Significance.

Women's Health and Genetics/Laboratory Corporation of America, LabCorp
Classification: Uncertain significance. Last evaluated: 2025-09-04. Review status: criteria provided, single submitter. Criteria: LabCorp Variant Classification Summary - May 2015. Collection method: clinical testing. Allele origin: germline.
Comment: Variant summary: PMS2 c.71A>C (p.His24Pro) results in a non-conservative amino acid change located in the DNA mismatch repair protein family, N-terminal domain of the encoded protein sequence. Algorithms developed to predict the effect of missense changes on protein structure and function all suggest that this variant is likely to be disruptive. The variant allele was found at a frequency of 1.6e-05 in 245708 control chromosomes. The available data on variant occurrences in the general population are insufficient to allow any conclusion about variant significance. To our knowledge, no occurrence of c.71A>C in individuals affected with PMS2-related conditions and no experimental evidence demonstrating its impact on protein function have been reported. ClinVar contains an entry for this variant (Variation ID: 187134). Based on the evidence outlined above, the variant was classified as uncertain significance.

Color Diagnostics, LLC DBA Color Health
Classification: Uncertain significance for Hereditary cancer-predisposing syndrome. Last evaluated: 2025-06-17. Review status: criteria provided, single submitter. Criteria: ACMG Guidelines, 2015. Collection method: clinical testing. Allele origin: germline.
Comment: This missense variant replaces histidine with proline at codon 24 of the PMS2 protein. Computational prediction suggests that this variant may have deleterious impact on protein structure and function. To our knowledge, functional studies have not been reported for this variant. This variant has not been reported in individuals affected with PMS2-related disorders in the literature. This variant has been identified in 7/277116 chromosomes in the general population by the Genome Aggregation Database (gnomAD). The available evidence is insufficient to determine the role of this variant in disease conclusively. Therefore, this variant is classified as a Variant of Uncertain Significance.

Quest Diagnostics Nichols Institute San Juan Capistrano
Classification: Uncertain significance. Last evaluated: 2024-06-11. Review status: criteria provided, single submitter. Criteria: Quest Diagnostics criteria. Collection method: clinical testing. Allele origin: unknown.
Comment: The PMS2 c.71A>C (p.His24Pro) variant has been reported in the published literature in a cohort of individuals with prostate cancer and reportedly healthy individuals (PMID: 32832836 (2020)). The frequency of this variant in the general population, 0.00025 (6/23750 chromosomes (Genome Aggregation Database)), is uninformative in the assessment of its pathogenicity. Analysis of this variant using bioinformatics tools for the prediction of the effect of amino acid changes on protein structure and function yielded predictions that this variant is damaging. Based on the available information, we are unable to determine the clinical significance of this variant.

Baylor Genetics
Classification: Uncertain significance for Lynch syndrome 4. Last evaluated: 2023-12-05. Review status: criteria provided, single submitter. Criteria: ACMG Guidelines, 2015. Collection method: clinical testing. Allele origin: unknown. Study: CSER-TexasKidsCanSeq.

All of Us Research Program, National Institutes of Health
Classification: Uncertain significance for Lynch syndrome. Last evaluated: 2023-12-01. Review status: criteria provided, single submitter. Criteria: ACMG Guidelines, 2015. Collection method: clinical testing. Allele origin: germline. Inheritance: Autosomal dominant inheritance. Observed: 3 variant alleles, 3 heterozygotes.
Comment: This missense variant replaces histidine with proline at codon 24 of the PMS2 protein. Computational prediction suggests that this variant may have deleterious impact on protein structure and function (internally defined REVEL score threshold >= 0.7, PMID: 27666373). To our knowledge, functional studies have not been reported for this variant. This variant has not been reported in individuals affected with hereditary cancer in the literature. This variant has been identified in 7/277116 chromosomes in the general population by the Genome Aggregation Database (gnomAD). The available evidence is insufficient to determine the role of this variant in disease conclusively. Therefore, this variant is classified as a Variant of Uncertain Significance.

This study involves interpretation of variants in research participants for the purpose of population health screening. Participant phenotype was not available at the time of variant classification. Additional details can be found in publication PMID: 35346344, PMCID: PMC8962531

Institute for Biomarker Research, Medical Diagnostic Laboratories, L.L.C.
Classification: Uncertain significance for Hereditary cancer-predisposing syndrome. Last evaluated: 2023-04-11. Review status: criteria provided, single submitter. Criteria: ACMG Guidelines, 2015. Collection method: clinical testing. Allele origin: germline.

GeneDx
Classification: Uncertain significance. Last evaluated: 2023-04-10. Review status: criteria provided, single submitter. Criteria: GeneDx Variant Classification Process June 2021. Collection method: clinical testing. Allele origin: germline. Affected: yes.
Comment: In silico analysis supports that this missense variant has a deleterious effect on protein structure/function; Has not been previously published as pathogenic or benign to our knowledge; This variant is associated with the following publications: (PMID: 11574484)

Literature cited by the submitters: PubMed 32832836 (cited by Quest Diagnostics Nichols Institute San Juan Capistrano).